The following is an entry in ClinVar:

NM_001182.5(ALDH7A1):c.1506T>C (p.Thr502=)

Gene: ALDH7A1 (aldehyde dehydrogenase 7 family member A1; minus strand). Cytogenetic location: 5q23.2.
Variant type: single nucleotide variant.
Coding change: c.1506T>C on transcript NM_001182.5 (MANE Select); coding-DNA position 1506, T replaced by C.
Protein change: p.Thr502=; no amino-acid change (threonine 502 retained).
Molecular consequence: synonymous variant.
Genome position (GRCh38, 1-based): chr5:126,546,383, A>G on the plus strand (T>C on the coding strand, the complement: ALDH7A1 is on the minus strand). VCF-style: chr5-126546383-A-G. GRCh37 (hg19) VCF-style: chr5-125882075-A-G.
Other names: c.1422T>C, p.Thr474= (NM_001201377.2); c.1314T>C, p.Thr438= (NM_001202404.2).
Identifiers: ClinVar variation 1149093 (VCV001149093.24), dbSNP rs565405031, ClinGen allele CA3389380.

ClinVar aggregate classification (germline): Likely benign. Review status: criteria provided, multiple submitters, no conflicts (2 of 4 stars). 3 submissions from 3 submitters: Likely benign (3). Last evaluated 2026-01-17.

Conditions:
Pyridoxine-dependent epilepsy (EPEO4). Also called: Pyridoxine-Dependent Seizures; Pyridoxine-Dependent Epilepsy - ALDH7A1; EPILEPSY, EARLY-ONSET, 4, VITAMIN B6-DEPENDENT; PYRIDOXINE DEPENDENCY WITH SEIZURES. Identifiers: Orphanet 3006, MedGen C1849508, MONDO:0009945, OMIM 266100. Disease mechanism: loss of function.

Allele frequency attached by ClinVar (database versions not stated): 1000 Genomes Project 30x 0.00031; gnomAD exomes 0.00002 and 0.00004; ExAC 0.00005; 1000 Genomes Project 0.00020; TOPMed below 0.00001; gnomAD 0.00002.
gnomAD v4.1: 34 of 1,614,164 alleles (0.0021%); highest among the groups gnomAD compares: South Asian, 0.032%; no homozygotes.

Submissions (3):

Labcorp Genetics (formerly Invitae), Labcorp
Classification: Likely benign for Pyridoxine-dependent epilepsy. Last evaluated: 2026-01-17. Review status: criteria provided, single submitter. Criteria: Invitae Variant Classification Sherloc (09022015). Collection method: clinical testing. Allele origin: germline.

CeGaT Center for Human Genetics Tuebingen
Classification: Likely benign. Last evaluated: 2025-08-01. Review status: criteria provided, single submitter. Criteria: CeGaT Center For Human Genetics Tuebingen Variant Classification Criteria Version 2. Collection method: clinical testing. Allele origin: germline. Affected: yes. Observed: 2 variant alleles.
Comment: ALDH7A1: BP4, BP7

Blueprint Genetics
Classification: Likely benign. Last evaluated: 2023-09-20. Review status: criteria provided, single submitter. Criteria: ACMG Guidelines, 2015. Collection method: clinical testing. Allele origin: germline.